The following is an entry in ClinVar:

ClinVar aggregate classification (germline): Benign/Likely benign. Review status: criteria provided, multiple submitters, no conflicts (2 of 4 stars). 2 submissions from 2 submitters: Benign (1); Likely benign (1). Last evaluated 2026-05-23.

Conditions:
Hereditary cancer-predisposing syndrome. Also called: Hereditary Cancer Syndrome; Hereditary neoplastic syndrome; Neoplastic Syndromes, Hereditary; Tumor predisposition. Identifiers: Orphanet 140162, MedGen C0027672, MeSH D009386, MONDO:0015356.
Papillary renal cell carcinoma type 1 (RCCP1). Also called: Renal adenocarcinoma; Renal cell carcinoma 1; Renal cell carcinoma, somatic; RENAL CELL CARCINOMA, PAPILLARY, 1, SOMATIC. Identifiers: Orphanet 47044, MedGen C1336839, OMIM 605074, HP:0011797.

Submissions (2):

Ambry Genetics
Classification: Likely benign for Hereditary cancer-predisposing syndrome. Last evaluated: 2026-05-23. Review status: criteria provided, single submitter. Criteria: Ambry Variant Classification Scheme 2023. Collection method: clinical testing. Allele origin: germline.

Myriad Genetics, Inc.
Classification: Benign for Papillary renal cell carcinoma type 1. Last evaluated: 2024-11-08. Review status: criteria provided, single submitter. Criteria: Myriad Autosomal Dominant, Autosomal Recessive and X-Linked Classification Criteria (2023). Collection method: clinical testing. Allele origin: unknown.
Comment: This variant is considered benign. This variant is a silent/synonymous amino acid change and it is not expected to impact splicing.

NM_000245.4(MET):c.1905T>C (p.Asn635=)

Gene: MET (MET proto-oncogene, receptor tyrosine kinase; plus strand). Cytogenetic location: 7q31.2.
Variant type: single nucleotide variant.
Coding change: c.1905T>C on transcript NM_000245.4 (MANE Select); coding-DNA position 1905, T replaced by C.
Protein change: p.Asn635=; no amino-acid change (asparagine 635 retained).
Molecular consequence: synonymous variant.
Genome position (GRCh38, 1-based): chr7:116,757,479, T>C. VCF-style: chr7-116757479-T-C. GRCh37 (hg19) VCF-style: chr7-116397533-T-C.
Other names: c.1905T>C, p.Asn635= (NM_001127500.3, NM_001324401.3); c.615T>C, p.Asn205= (NM_001324402.2).
Identifiers: ClinVar variation 3773449 (VCV003773449.2).